The following is an entry in ClinVar:

NM_014915.3(ANKRD26):c.1255C>T (p.Pro419Ser)

Gene: ANKRD26 (ankyrin repeat domain containing 26; minus strand). Cytogenetic location: 10p12.1.
Variant type: single nucleotide variant.
Coding change: c.1255C>T on transcript NM_014915.3 (MANE Select); coding-DNA position 1255, C replaced by T.
Protein change: p.Pro419Ser; replaces proline 419 with serine.
Molecular consequence: missense variant.
Genome position (GRCh38, 1-based): chr10:27,066,501, G>A on the plus strand (C>T on the coding strand, the complement: ANKRD26 is on the minus strand). VCF-style: chr10-27066501-G-A. GRCh37 (hg19) VCF-style: chr10-27355430-G-A.
Other names: c.1255C>T, p.Pro419Ser (NM_001256053.2); short protein forms P419S.
Identifiers: ClinVar variation 2628391 (VCV002628391.2), dbSNP rs2539028690, ClinGen allele CA376359418.
Genomic context (GRCh38, chr10:27,066,501, plus strand): 5'-CTCAATGCTTATATTTTAAAATAATAGTAACAACCATAGAAAGTACCTCAGAATCCCAAG[G>A]TGATTCTATATCTTCCTCTTGTCCTAATCCTAATGCGGACATCATATCTATCAAATGTGA-3'
Protein context (NP_055730.2, residues 409-429): GLGQEEDIES[Pro419Ser]WDSESISENF

ClinVar aggregate classification (germline): Uncertain significance. Review status: criteria provided, multiple submitters, no conflicts (2 of 4 stars). 2 submissions from 2 submitters: Uncertain significance (2). Last evaluated 2025-05-28.

Conditions:
ANKRD26-related disorder. Also called: ANKRD26-related condition.
Inborn genetic diseases. Identifiers: MedGen C0950123, MeSH D030342.

Submissions (2):

Ambry Genetics
Classification: Uncertain significance for Inborn genetic diseases. Last evaluated: 2025-05-28. Review status: criteria provided, single submitter. Criteria: Ambry Variant Classification Scheme 2023. Collection method: clinical testing. Allele origin: germline.
Comment: The p.P419S variant (also known as c.1255C>T), located in coding exon 11 of the ANKRD26 gene, results from a C to T substitution at nucleotide position 1255. The proline at codon 419 is replaced by serine, an amino acid with similar properties. This amino acid position is conserved. In addition, this alteration is predicted to be tolerated by in silico analysis. Based on the available evidence, the clinical significance of this variant remains unclear.

PreventionGenetics, part of Exact Sciences
Classification: Uncertain significance for ANKRD26-related condition. Last evaluated: 2022-09-23. Review status: criteria provided, single submitter. Criteria: ACMG Guidelines, 2015. Collection method: clinical testing. Allele origin: germline.
Comment: The ANKRD26 c.1255C>T variant is predicted to result in the amino acid substitution p.Pro419Ser. To our knowledge, this variant has not been reported in the literature or in a large population database, indicating this variant is rare. At this time, the clinical significance of this variant is uncertain due to the absence of conclusive functional and genetic evidence.